The following is an entry in ClinVar:

NM_032578.4(MYPN):c.3214C>T (p.Arg1072Ter)

Gene: MYPN (myopalladin; plus strand). Cytogenetic location: 10q21.3.
Variant type: single nucleotide variant.
Coding change: c.3214C>T on transcript NM_032578.4 (MANE Select); coding-DNA position 3214, C replaced by T.
Protein change: p.Arg1072Ter; replaces arginine 1072 with a stop codon.
Molecular consequence: nonsense. On other transcripts: non-coding transcript variant (2).
Genome position (GRCh38, 1-based): chr10:68,197,407, C>T. VCF-style: chr10-68197407-C-T. GRCh37 (hg19) VCF-style: chr10-69957164-C-T.
Other names: c.3214C>T (NM_032578.2); c.3214C>T, p.Arg1072Ter (NM_001256267.2); c.2332C>T, p.Arg778Ter (NM_001256268.2); short protein forms R1072*, R778*.
Identifiers: ClinVar variation 375568 (VCV000375568.13), dbSNP rs1057519573, ClinGen allele CA16044352.

ClinVar aggregate classification (germline): Pathogenic. Review status: criteria provided, multiple submitters, no conflicts (2 of 4 stars). 4 submissions from 4 submitters: Pathogenic (3). 1 of the submissions does not count toward it. Last evaluated 2026-01-23.

Conditions:
Cardiovascular phenotype. Identifiers: MedGen CN230736.
Dilated cardiomyopathy 1KK (CMD1KK). Identifiers: Orphanet 154, Orphanet 75249, MedGen C3714995, MONDO:0014100, OMIM 615248.
MYPN-related myopathy (CMYO24). Also called: Nemaline myopathy 11, autosomal recessive. Identifiers: MedGen C4479186, MONDO:0015023, OMIM 617336.

Allele frequency attached by ClinVar (database versions not stated): gnomAD exomes 0.00001 and below 0.00001.

Submissions (4):

Ambry Genetics
Classification: Pathogenic for Cardiovascular phenotype. Last evaluated: 2026-01-23. Review status: criteria provided, single submitter. Criteria: Ambry Variant Classification Scheme 2023. Collection method: clinical testing. Allele origin: germline.
Comment: The p.R1072* pathogenic mutation (also known as c.3214C>T), located in coding exon 15 of the MYPN gene, results from a C to T substitution at nucleotide position 3214. This changes the amino acid from an arginine to a stop codon within coding exon 15. This variant has been identified in conjunction with other MYPN variant(s) in individual(s) with features consistent with MYPN-related nemaline myopathy (Miyatake S et al. Am J Hum Genet, 2017 Jan;100:169-178). This variant is considered to be rare based on population cohorts in the Genome Aggregation Database (gnomAD). This alteration is expected to result in loss of function by premature protein truncation or nonsense-mediated mRNA decay. As such, this alteration is interpreted as a disease-causing mutation.

Labcorp Genetics (formerly Invitae), Labcorp
Classification: Pathogenic for Dilated cardiomyopathy 1KK. Last evaluated: 2024-12-23. Review status: criteria provided, single submitter. Criteria: Invitae Variant Classification Sherloc (09022015). Collection method: clinical testing. Allele origin: germline.
Comment: This sequence change creates a premature translational stop signal (p.Arg1072*) in the MYPN gene. It is expected to result in an absent or disrupted protein product. Loss-of-function variants in MYPN are known to be pathogenic (PMID: 28017374). This variant is present in population databases (no rsID available, gnomAD 0.004%). This premature translational stop signal has been observed in individual(s) with nemaline myopathy (PMID: 28017374). ClinVar contains an entry for this variant (Variation ID: 375568). Algorithms developed to predict the effect of sequence changes on RNA splicing suggest that this variant may disrupt the consensus splice site. For these reasons, this variant has been classified as Pathogenic.

GeneDx
Classification: Pathogenic. Last evaluated: 2022-12-08. Review status: criteria provided, single submitter. Criteria: GeneDx Variant Classification Process June 2021. Collection method: clinical testing. Allele origin: germline. Affected: yes.
Comment: Nonsense variant predicted to result in protein truncation or nonsense mediated decay in a gene for which loss of function is a known mechanism of disease; Not observed at significant frequency in large population cohorts (gnomAD); This variant is associated with the following publications: (PMID: 28017374)

OMIM
Classification: Pathogenic for CONGENITAL MYOPATHY 24. Last evaluated: 2024-07-16. Review status: no assertion criteria provided. Collection method: literature only. Allele origin: germline. Not counted in ClinVar's aggregate classification.

Literature cited by the submitters: PubMed 28017374 (cited by 3 submitters); PubMed 34302607 (cited by Ambry Genetics).